The following is an entry in ClinVar:

ClinVar aggregate classification (germline): Pathogenic. Review status: criteria provided, multiple submitters, no conflicts (2 of 4 stars). 6 submissions from 6 submitters: Pathogenic (3). 3 of the submissions do not count toward it. Last evaluated 2022-11-12.

Conditions:
Charcot-Marie-Tooth disease. Also called: Charcot-Marie-Tooth Hereditary Neuropathy; Charcot-Marie-Tooth Neuropathy. Identifiers: Orphanet 166, MedGen C0007959, MONDO:0015626.
Hereditary sensory and autonomic neuropathy type 2. Also called: Hereditary Sensory and Autonomic Neuropathy Type II; Hereditary sensory neuropathy type 2; HSN Type II. Identifiers: Orphanet 970, MedGen C0020072, MONDO:0019941.
Inborn genetic diseases. Identifiers: MedGen C0950123, MeSH D030342.
Neuropathy, hereditary sensory and autonomic, type 2B (HSAN2B). Also called: RETREG1-Related HSAN2 (HSAN2B). Identifiers: Orphanet 970, MedGen C2751092, MONDO:0013142, OMIM 613115.

Submissions (6):

Labcorp Genetics (formerly Invitae), Labcorp
Classification: Pathogenic. Last evaluated: 2022-11-12. Review status: criteria provided, single submitter. Criteria: Invitae Variant Classification Sherloc (09022015). Collection method: clinical testing. Allele origin: germline.
Comment: This variant is not present in population databases (gnomAD no frequency). This sequence change creates a premature translational stop signal (p.Pro7Glyfs*133) in the RETREG1 gene. It is expected to result in an absent or disrupted protein product. Loss-of-function variants in RETREG1 are known to be pathogenic (PMID: 19838196). This premature translational stop signal has been observed in individual(s) with hereditary sensory and autonomic neuropathy (PMID: 19838196). ClinVar contains an entry for this variant (Variation ID: 21257). For these reasons, this variant has been classified as Pathogenic.

Mayo Clinic Laboratories, Mayo Clinic
Classification: Pathogenic. Last evaluated: 2022-04-22. Review status: criteria provided, single submitter. Criteria: ACMG Guidelines, 2015. Collection method: clinical testing. Allele origin: germline. Observed: 1 variant allele.
Comment: PM2, PM3_supporting, PVS1

Ambry Genetics
Classification: Pathogenic for Inborn genetic diseases. Last evaluated: 2020-11-24. Review status: criteria provided, single submitter. Criteria: Ambry Variant Classification Scheme 2023. Collection method: clinical testing. Allele origin: germline.
Comment: The c.18_19delTC pathogenic mutation, located in coding exon 1 of the FAM134B gene, results from a deletion of two nucleotides at nucleotide positions 18 to 19, causing a translational frameshift with a predicted alternate stop codon (p.P7Gfs*133). This variant has been described in the homozygous state in an individual with hereditary sensory and autonomic neuropathy type IIB (HSAN2B) (Kurth I et al. Nat Genet, 2009 Nov;41:1179-81). In addition to the clinical data presented in the literature, this alteration is expected to result in loss of function by premature protein truncation or nonsense-mediated mRNA decay. As such, this alteration is interpreted as a disease-causing mutation.

Inherited Neuropathy Consortium Ii, University Of Miami
Classification: Uncertain significance for Hereditary sensory and autonomic neuropathy type 2. Last evaluated: 2019-02-17. Review status: no assertion criteria provided. Collection method: literature only. Allele origin: germline. Affected: yes. Not counted in ClinVar's aggregate classification.

OMIM
Classification: Pathogenic for NEUROPATHY, HEREDITARY SENSORY AND AUTONOMIC, TYPE IIB. Last evaluated: 2009-11-01. Review status: no assertion criteria provided. Collection method: literature only. Allele origin: germline. Not counted in ClinVar's aggregate classification.

Inherited Neuropathy Consortium
Classification: Uncertain significance for Charcot-Marie-Tooth disease. Review status: no assertion criteria provided. Collection method: literature only. Allele origin: germline. Affected: yes. Not counted in ClinVar's aggregate classification.

Literature cited by the submitters: PubMed 19838196 (cited by 6 submitters); PubMed 31737055 (cited by Mayo Clinic Laboratories, Mayo Clinic); PubMed 33199694 (cited by Mayo Clinic Laboratories, Mayo Clinic); PubMed 35332675 (cited by Mayo Clinic Laboratories, Mayo Clinic).

NM_001034850.3(RETREG1):c.18_19del (p.Pro7fs)

Genes: RETREG1 (reticulophagy regulator 1; minus strand), RETREG1-AS1 (RETREG1 antisense RNA 1; plus strand), LOC129993734 (ATAC-STARR-seq lymphoblastoid silent region 15947; plus strand). Cytogenetic location: 5p15.1.
Variant type: Deletion.
Coding change: c.18_19del on transcript NM_001034850.3 (MANE Select); coding-DNA positions 18 to 19, 2 bases deleted (TC; older notation c.18_19delTC).
Protein change: p.Pro7fs; shifts the reading frame from proline 7.
Molecular consequence: frameshift variant.
Genome position (GRCh38, 1-based): chr5:16,616,953-16,616,954, GA deleted on the plus strand (TC on the coding strand, the reverse complement: RETREG1 is on the minus strand); deleting any 2 consecutive bases within chr5:16,616,953-16,616,955 gives the same sequence; the c. name uses the placement nearest the transcript's 3' end. VCF-style (leftmost placement, unchanged base first): chr5-16616952-GGA-G. GRCh37 (hg19) VCF-style: chr5-16617061-GGA-G.
Other names: c.18_19delTC (NM_001034850.2); short protein forms P7fs.
Identifiers: ClinVar variation 21257 (VCV000021257.15), dbSNP rs137852736, ClinGen allele CA341807.
Genomic context (GRCh38, chr5:16,616,952, plus strand): 5'-GGCGACGGCGGCGCCTGCTCCTCGGCGGCAGGAGCCGGGCATCCCTCCTCGGCGTGCTCC[GGA>G]GGCGCCGGGCTCGCCATCTTCAGCTGTGCTTCCAGACAGGGACGGGGCCGGGCGCGCGCG-3'